The following is an entry in ClinVar:

NM_006766.5(KAT6A):c.4594A>T (p.Met1532Leu)

Gene: KAT6A (lysine acetyltransferase 6A; minus strand). Cytogenetic location: 8p11.21.
Variant type: single nucleotide variant.
Coding change: c.4594A>T on transcript NM_006766.5 (MANE Select); coding-DNA position 4594, A replaced by T.
Protein change: p.Met1532Leu; replaces methionine 1532 with leucine.
Molecular consequence: missense variant.
Genome position (GRCh38, 1-based): chr8:41,933,626, T>A on the plus strand (A>T on the coding strand, the complement: KAT6A is on the minus strand). VCF-style: chr8-41933626-T-A. GRCh37 (hg19) VCF-style: chr8-41791144-T-A.
Other names: short protein forms M1532L.
Identifiers: ClinVar variation 1307891 (VCV001307891.4), dbSNP rs1476341397, ClinGen allele CA371065411.

ClinVar aggregate classification (germline): Uncertain significance. Review status: criteria provided, multiple submitters, no conflicts (2 of 4 stars). 2 submissions from 2 submitters: Uncertain significance (2). Last evaluated 2020-03-24.

Conditions:
Inborn genetic diseases. Identifiers: MedGen C0950123, MeSH D030342.

Submissions (2):

Ambry Genetics
Classification: Uncertain significance for Inborn genetic diseases. Last evaluated: 2020-03-24. Review status: criteria provided, single submitter. Criteria: Ambry Variant Classification Scheme 2023. Collection method: clinical testing. Allele origin: germline.
Comment: The p.M1532L variant (also known as c.4594A>T), located in coding exon 16 of the KAT6A gene, results from an A to T substitution at nucleotide position 4594. The methionine at codon 1532 is replaced by leucine, an amino acid with highly similar properties. This amino acid position is highly conserved in available vertebrate species. In addition, the in silico prediction for this alteration is inconclusive. Since supporting evidence is limited at this time, the clinical significance of this alteration remains unclear.

GeneDx
Classification: Uncertain significance. Last evaluated: 2019-08-16. Review status: criteria provided, single submitter. Criteria: GeneDx Variant Classification Process June 2021. Collection method: clinical testing. Allele origin: germline. Affected: yes.
Comment: Not observed in large population cohorts (Lek et al., 2016); In silico analysis, which includes protein predictors and evolutionary conservation, supports that this variant does not alter protein structure/function; Has not been previously published as pathogenic or benign to our knowledge